The following is an entry in ClinVar:

NM_201384.3(PLEC):c.949del (p.Leu317fs)

Gene: PLEC (plectin; minus strand). Cytogenetic location: 8q24.3.
Variant type: Deletion.
Coding change: c.949del on transcript NM_201384.3 (MANE Select); coding-DNA position 949, one base deleted (C; older notation c.949delC).
Protein change: p.Leu317fs; shifts the reading frame from leucine 317.
Molecular consequence: frameshift variant.
Genome position (GRCh38, 1-based): chr8:143,934,727, G deleted on the plus strand (C on the coding strand, the reverse complement: PLEC is on the minus strand); the first of 2 consecutive G bases (chr8:143,934,727-143,934,728); deleting either gives the same sequence. VCF-style (leftmost placement, unchanged base first): chr8-143934726-AG-A. GRCh37 (hg19) VCF-style: chr8-145008894-AG-A.
Other names: c.1030del, p.Leu344fs (NM_000445.5, NM_001410941.1); c.907del, p.Leu303fs (NM_201378.4); c.883del, p.Leu295fs (NM_201379.3); c.1360del, p.Leu454fs (NM_201380.4); c.853del, p.Leu285fs (NM_201381.3); c.949del, p.Leu317fs (NM_201382.4); c.961del, p.Leu321fs (NM_201383.3); short protein forms L285fs, L454fs, L295fs, L317fs, L344fs, L303fs, L321fs.
Identifiers: ClinVar variation 2946192 (VCV002946192.3), dbSNP rs2539004951, ClinGen allele CA2740095384.
Genomic context (GRCh38, chr8:143,934,726, plus strand): 5'-TTCTTGTCGGCCTCCTTGGCTGGTAGCTCCATCTCCTTAAACTTCAGGAACTGAGACCAC[AG>A]GATCTGCCAGGGACGAGGCTGTCGGCAACCACGCCGGGCTCTCAGGGCAGGCCCAGGACC-3'

ClinVar aggregate classification (germline): Pathogenic (1 of 4 stars; one submission).

Conditions:
Epidermolysis bullosa simplex with nail dystrophy (EBS5D). Identifiers: MedGen C4225309, MONDO:0014661, OMIM 616487.
Epidermolysis bullosa simplex, Ogna type (EBS5A). Also called: Pidermolysis bullosa simplex 5A, Ogna type; EPIDERMOLYSIS BULLOSA SIMPLEX 5A, OGNA TYPE. Identifiers: Orphanet 79401, MedGen C0432317, MONDO:0007555, OMIM 131950.
Autosomal recessive limb-girdle muscular dystrophy type 2Q (LGMDR17). Also called: MUSCULAR DYSTROPHY, LIMB-GIRDLE, AUTOSOMAL RECESSIVE 17. Identifiers: Orphanet 254361, MedGen C3150989, MONDO:0013390, OMIM 613723.
Epidermolysis bullosa simplex 5B, with muscular dystrophy (EBS5B). Also called: EPIDERMOLYSIS BULLOSA SIMPLEX AND LIMB-GIRDLE MUSCULAR DYSTROPHY; Epidermolysis bullosa simplex with muscular dystrophy. Identifiers: Orphanet 257, MedGen C2931072, MONDO:0009181, OMIM 226670.
Epidermolysis bullosa simplex 5C, with pyloric atresia (EBS5C). Also called: PLEC-Related Epidermolysis Bullosa with Pyloric Atresia; Epidermolysis bullosa simplex with pyloric atresia; PLEC1-Related Epidermolysis Bullosa with Pyloric Atresia. Identifiers: Orphanet 158684, MedGen C2677349, MONDO:0012807, OMIM 612138.

Submission:

Labcorp Genetics (formerly Invitae), Labcorp
Classification: Pathogenic for Autosomal recessive limb-girdle muscular dystrophy type 2Q; Epidermolysis bullosa simplex, Ogna type; Epidermolysis bullosa simplex with nail dystrophy; Epidermolysis bullosa simplex 5C, with pyloric atresia; Epidermolysis bullosa simplex 5B, with muscular dystrophy. Last evaluated: 2023-04-06. Review status: criteria provided, single submitter. Criteria: Invitae Variant Classification Sherloc (09022015). Collection method: clinical testing. Allele origin: germline.
Comment: For these reasons, this variant has been classified as Pathogenic. This variant has not been reported in the literature in individuals affected with PLEC-related conditions. This variant is not present in population databases (gnomAD no frequency). This sequence change creates a premature translational stop signal (p.Leu344Cysfs*6) in the PLEC gene. It is expected to result in an absent or disrupted protein product. Loss-of-function variants in PLEC are known to be pathogenic (PMID: 20301336, 20447487, 21109228, 23289980, 28824526).

Literature cited by the submitters: PubMed 20301336; PubMed 20447487; PubMed 21109228; PubMed 23289980; PubMed 28824526.